The following is an entry in ClinVar:

ClinVar aggregate classification (germline): Uncertain significance (1 of 4 stars; one submission).

Allele frequency attached by ClinVar (database versions not stated): gnomAD exomes 0.00002 and 0.00010; ExAC 0.00009; gnomAD 0.00009 and 0.00010; TOPMed 0.00009.
gnomAD v4.1: 50 of 1,614,106 alleles (0.0031%); highest among the groups gnomAD compares: Admixed American, 0.067%; no homozygotes.

Submission:

Labcorp Genetics (formerly Invitae), Labcorp
Classification: Uncertain significance. Last evaluated: 2021-09-24. Review status: criteria provided, single submitter. Criteria: Invitae Variant Classification Sherloc (09022015). Collection method: clinical testing. Allele origin: germline.
Comment: This sequence change replaces threonine with alanine at codon 487 of the MCPH1 protein (p.Thr487Ala). The threonine residue is weakly conserved and there is a small physicochemical difference between threonine and alanine. This variant is present in population databases (rs775878359, ExAC 0.06%). This variant has not been reported in the literature in individuals affected with MCPH1-related conditions. Algorithms developed to predict the effect of missense changes on protein structure and function are either unavailable or do not agree on the potential impact of this missense change (SIFT: "Not Available"; PolyPhen-2: "Benign"; Align-GVGD: "Not Available"). In summary, the available evidence is currently insufficient to determine the role of this variant in disease. Therefore, it has been classified as a Variant of Uncertain Significance.

NM_024596.5(MCPH1):c.1459A>G (p.Thr487Ala)

Gene: MCPH1 (microcephalin 1; plus strand). Cytogenetic location: 8p23.1.
Variant type: single nucleotide variant.
Coding change: c.1459A>G on transcript NM_024596.5 (MANE Select); coding-DNA position 1459, A replaced by G.
Protein change: p.Thr487Ala; replaces threonine 487 with alanine.
Molecular consequence: missense variant. On other transcripts: non-coding transcript variant (1).
Genome position (GRCh38, 1-based): chr8:6,445,181, A>G. VCF-style: chr8-6445181-A-G. GRCh37 (hg19) VCF-style: chr8-6302702-A-G.
Other names: c.1459A>G, p.Thr487Ala (NM_001172574.2, NM_001322042.2, NM_001363979.1 and 1 more transcripts); c.1315A>G, p.Thr439Ala (NM_001172575.2); c.1453A>G, p.Thr485Ala (NM_001322043.2); c.1357A>G, p.Thr453Ala (NM_001322045.2); short protein forms T439A, T453A, T485A, T487A.
Identifiers: ClinVar variation 1480436 (VCV001480436.5), dbSNP rs775878359, ClinGen allele CA4610563.